The following is an entry in ClinVar:

NM_144573.4(NEXN):c.184_185dup (p.Arg63fs)

Gene: NEXN (nexilin F-actin binding protein; plus strand). Cytogenetic location: 1p31.1.
Variant type: Microsatellite.
Coding change: c.184_185dup on transcript NM_144573.4 (MANE Select); coding-DNA positions 184 to 185, 2 bases duplicated (AT; older notation c.184_185dupAT).
Protein change: p.Arg63fs; shifts the reading frame from arginine 63.
Molecular consequence: frameshift variant. On other transcripts: intron variant (1).
Genome position (GRCh38, 1-based): chr1:77,917,722-77,917,723, AT duplicated; duplicating any 2 consecutive bases within chr1:77,917,718-77,917,723 gives the same sequence; the c. name uses the placement nearest the transcript's 3' end. VCF-style (leftmost placement, unchanged base first): chr1-77917717-A-AAT. GRCh37 (hg19) VCF-style: chr1-78383402-A-AAT.
Other names: c.180_181AT[4], p.Arg63Leufs (NM_144573.3); c.28-242AT[4] (NM_001172309.2); c.184_185dupAT (NM_144573.3); short protein forms R63fs.
Identifiers: ClinVar variation 3229173 (VCV003229173.1), dbSNP rs2526783028, ClinGen allele CA2825000987.
Genomic context (GRCh38, chr1:77,917,717, plus strand): 5'-GAGCCAGGGAAGAAAGAAATCAAAGGAGATCTAGAGACGAAAAACAAAGAAGAAAAGAAC[A>AAT]ATATATTAGAGAGAGAGAATGGAACAGGAGAAAGCAGGAGGTTATTTTATTTTACTTTAT-3'

ClinVar aggregate classification (germline): Uncertain significance (1 of 4 stars; one submission).

Conditions:
Cardiovascular phenotype. Identifiers: MedGen CN230736.

Submission:

Ambry Genetics
Classification: Uncertain significance for Cardiovascular phenotype. Last evaluated: 2024-03-12. Review status: criteria provided, single submitter. Criteria: Ambry Variant Classification Scheme 2023. Collection method: clinical testing. Allele origin: germline.
Comment: The c.184_185dupAT variant, located in coding exon 2 of the NEXN gene, results from a duplication of AT at nucleotide position 184, causing a translational frameshift with a predicted alternate stop codon (p.R63Lfs*29). This alteration is expected to result in loss of function by premature protein truncation or nonsense-mediated mRNA decay. However, this region of the NEXN gene is excluded from other biologically relevant NEXN transcripts. Based on the available evidence, the clinical significance of this alteration remains unclear.